The following is an entry in ClinVar:

ClinVar aggregate classification (germline): Uncertain significance. Review status: criteria provided, multiple submitters, no conflicts (2 of 4 stars). 2 submissions from 2 submitters: Uncertain significance (2). Last evaluated 2026-05-14.

Conditions:
Inborn genetic diseases. Identifiers: MedGen C0950123, MeSH D030342.

Submissions (3):

Ambry Genetics
Classification: Uncertain significance for Inborn genetic diseases. Last evaluated: 2026-05-14. Review status: criteria provided, single submitter. Criteria: Ambry Variant Classification Scheme 2023. Collection method: clinical testing. Allele origin: germline.

GeneDx
Classification: Uncertain significance. Last evaluated: 2021-03-25. Review status: criteria provided, single submitter. Criteria: GeneDx Variant Classification Process June 2021. Collection method: clinical testing. Allele origin: germline. Affected: yes.
Comment: Not observed in large population cohorts (Lek et al., 2016); In silico analysis supports that this missense variant has a deleterious effect on protein structure/function; Has not been previously published as pathogenic or benign to our knowledge

Dr. Peter K. Rogan Lab, Western University
No classification provided (evidence only). Condition: Malignant tumor of esophagus. Review status: no classification provided. Collection method: in vitro. Allele origin: not applicable. Functional consequence: retained intron. Not counted in ClinVar's aggregate classification.

NM_012199.5(AGO1):c.1436C>T (p.Ala479Val)

Gene: AGO1 (argonaute RISC component 1; plus strand). Cytogenetic location: 1p34.3.
Variant type: single nucleotide variant.
Coding change: c.1436C>T on transcript NM_012199.5 (MANE Select); coding-DNA position 1436, C replaced by T.
Protein change: p.Ala479Val; replaces alanine 479 with valine.
Molecular consequence: missense variant.
Genome position (GRCh38, 1-based): chr1:35,906,973, C>T. VCF-style: chr1-35906973-C-T. GRCh37 (hg19) VCF-style: chr1-36372574-C-T.
Other names: NC_000001.10:g.36372574C>T; c.1436C>T, p.Ala479Val (NM_001317122.2); c.1211C>T, p.Ala404Val (NM_001317123.2); c.1436C>T (NM_012199.2); short protein forms A404V, A479V.
Identifiers: ClinVar variation 1314218 (VCV001314218.4), dbSNP rs2148718885, ClinGen allele CA339382246.